The following is an entry in ClinVar:

ClinVar aggregate classification (germline): Pathogenic/Likely pathogenic. Review status: criteria provided, multiple submitters, no conflicts (2 of 4 stars). 6 submissions from 6 submitters: Pathogenic (2); Likely pathogenic (3). 1 of the submissions does not count toward it. Last evaluated 2024-12-31.

Conditions:
Fanconi anemia (FA). Also called: Fanconi's anemia. Identifiers: Orphanet 84, MedGen C0015625, MeSH D005199, MONDO:0019391.
FANCA-related disorders.
Fanconi anemia complementation group A (FANCA). Also called: Fanconi anemia, group A; FANCA-Related Fanconi Anemia. Identifiers: Orphanet 84, MedGen C3469521, MONDO:0009215, OMIM 227650.

gnomAD v4.1: 2 of 1,613,838 alleles (0.00012%); highest among the groups gnomAD compares: Non-Finnish European, 0.000085%; no homozygotes.

Submissions (6):

Natera, Inc.
Classification: Likely pathogenic for Fanconi anemia. Last evaluated: 2024-12-31. Review status: criteria provided, single submitter. Criteria: Natera Variant Classification Schema (03/2026). Collection method: clinical testing. Allele origin: germline.
Comment: The c.4261-2A>G variant in FANCA is a canonical splice acceptor site variant predicted to affect pre-mRNA splicing, which may result in an abnormal transcript and altered protein product. This variant may result in a truncated or dysfunctional protein product. This variant is rare in the general population with a frequency below the threshold expected for the associated phenotype(s). Another variant at this same site results in an alteration predicted to cause a similar molecular effect has been observed in individual(s) with the associated phenotype. Given the available evidence, this variant is classified as Likely Pathogenic.

Baylor Genetics
Classification: Pathogenic for Fanconi anemia complementation group A. Last evaluated: 2023-12-14. Review status: criteria provided, single submitter. Criteria: ACMG Guidelines, 2015. Collection method: clinical testing. Allele origin: unknown.

Labcorp Genetics (formerly Invitae), Labcorp
Classification: Pathogenic for Fanconi anemia. Last evaluated: 2023-10-13. Review status: criteria provided, single submitter. Criteria: Invitae Variant Classification Sherloc (09022015). Collection method: clinical testing. Allele origin: germline.
Comment: This sequence change affects an acceptor splice site in intron 42 of the FANCA gene. While this variant is not anticipated to result in nonsense mediated decay, it likely alters RNA splicing and results in a disrupted protein product. This variant is not present in population databases (gnomAD no frequency). Disruption of this splice site has been observed in individuals with Fanconi anemia (PMID: 15059067). It has also been observed to segregate with disease in related individuals. ClinVar contains an entry for this variant (Variation ID: 864303). Variants that disrupt the consensus splice site are a relatively common cause of aberrant splicing (PMID: 17576681, 9536098). Algorithms developed to predict the effect of sequence changes on RNA splicing suggest that this variant may disrupt the consensus splice site. For these reasons, this variant has been classified as Pathogenic.

Blueprint Genetics
Classification: Likely pathogenic for FANCA-related disorders. Last evaluated: 2021-12-28. Review status: criteria provided, single submitter. Criteria: ACMG Guidelines, 2015. Collection method: clinical testing. Allele origin: germline. Affected: yes. Observed: 1 variant allele.

Fulgent Genetics
Classification: Likely pathogenic for Fanconi anemia complementation group A. Last evaluated: 2021-08-12. Review status: criteria provided, single submitter. Criteria: ACMG Guidelines, 2015. Collection method: clinical testing. Allele origin: unknown.

Leiden Open Variation Database
Classification: Uncertain significance for Fanconi anemia complementation group A. Last evaluated: 2020-02-28. Review status: no assertion criteria provided. Collection method: curation. Allele origin: germline. Affected: yes. Not counted in ClinVar's aggregate classification.
Comment: Curator: Arleen D. Auerbach. Submitter to LOVD: Arleen D. Auerbach.

Literature cited by the submitters: PubMed 15059067 (cited by Labcorp Genetics (formerly Invitae), Labcorp); PubMed 17576681 (cited by Labcorp Genetics (formerly Invitae), Labcorp); PubMed 9536098 (cited by Labcorp Genetics (formerly Invitae), Labcorp).

NM_000135.4(FANCA):c.4261-2A>G

Genes: FANCA (FA complementation group A; minus strand), ZNF276 (zinc finger protein 276; plus strand). Cytogenetic location: 16q24.3.
Variant type: single nucleotide variant.
Coding change: c.4261-2A>G on transcript NM_000135.4 (MANE Select); the canonical splice acceptor site of the intron before coding-DNA position 4261, A replaced by G.
Molecular consequence: splice acceptor variant. On other transcripts: 3 prime UTR variant (2), non-coding transcript variant (4).
Genome position (GRCh38, 1-based): chr16:89,738,710, T>C on the plus strand (A>G on the coding strand, the complement: FANCA is on the minus strand). VCF-style: chr16-89738710-T-C. GRCh37 (hg19) VCF-style: chr16-89805118-T-C.
Other names: c.*464T>C (NM_001113525.2, NM_152287.4); c.4265-2A>G (NM_001286167.3); c.4261-2A>G (NM_000135.3).
Identifiers: ClinVar variation 864303 (VCV000864303.17), dbSNP rs915983602, ClinGen allele CA397483173.